The following is an entry in ClinVar:

ClinVar aggregate classification (germline): Pathogenic (1 of 4 stars; one submission).

Conditions:
Evans syndrome, immunodeficiency, and premature immunosenescence associated with tripeptidyl-peptidase II deficiency. Identifiers: MedGen CN231723. Disease mechanism: loss of function.

Submission:

Labcorp Genetics (formerly Invitae), Labcorp
Classification: Pathogenic for Evans syndrome, immunodeficiency, and premature immunosenescence associated with tripeptidyl-peptidase II deficiency. Last evaluated: 2022-11-29. Review status: criteria provided, single submitter. Criteria: Invitae Variant Classification Sherloc (09022015). Collection method: clinical testing. Allele origin: germline.
Comment: For these reasons, this variant has been classified as Pathogenic. This variant has not been reported in the literature in individuals affected with TPP2-related conditions. This variant is not present in population databases (gnomAD no frequency). This sequence change creates a premature translational stop signal (p.Tyr616Leufs*2) in the TPP2 gene. It is expected to result in an absent or disrupted protein product. Loss-of-function variants in TPP2 are known to be pathogenic (PMID: 25414442).

Literature cited by the submitters: PubMed 25414442.

NM_001330588.2(TPP2):c.1844dup (p.Tyr616fs)

Gene: TPP2 (tripeptidyl peptidase 2; plus strand). Cytogenetic location: 13q33.1.
Variant type: Duplication.
Coding change: c.1844dup on transcript NM_001330588.2 (MANE Select); coding-DNA position 1844, one base duplicated (G; older notation c.1844dupG).
Protein change: p.Tyr616fs; shifts the reading frame from tyrosine 616.
Molecular consequence: frameshift variant. On other transcripts: non-coding transcript variant (1).
Genome position (GRCh38, 1-based): chr13:102,638,246, G duplicated; the last of 2 consecutive G bases (chr13:102,638,245-102,638,246); duplicating either gives the same sequence. VCF-style (leftmost placement, unchanged base first): chr13-102638244-T-TG. GRCh37 (hg19) VCF-style: chr13-103290594-T-TG.
Other names: c.1844dup, p.Tyr616fs (NM_001367947.1, NM_003291.4); short protein forms Y616fs.
Identifiers: ClinVar variation 2817462 (VCV002817462.3), dbSNP rs2503993076, ClinGen allele CA2739277712.